The following is an entry in ClinVar:

ClinVar aggregate classification (germline): Pathogenic (1 of 4 stars; one submission).

Conditions:
Cardiovascular phenotype. Identifiers: MedGen CN230736.

Submission:

Ambry Genetics
Classification: Pathogenic for Cardiovascular phenotype. Last evaluated: 2024-12-03. Review status: criteria provided, single submitter. Criteria: Ambry Variant Classification Scheme 2023. Collection method: clinical testing. Allele origin: germline.
Comment: The c.1910delA pathogenic mutation, located in coding exon 5 of the ALPK3 gene, results from a deletion of one nucleotide at nucleotide position 1910, causing a translational frameshift with a predicted alternate stop codon (p.Q637Rfs*3). This variant is considered to be rare based on population cohorts in the Genome Aggregation Database (gnomAD). This alteration is expected to result in loss of function by premature protein truncation or nonsense-mediated mRNA decay. As such, this alteration is interpreted as a disease-causing mutation.

Literature cited by the submitters: PubMed 38356193.

NM_020778.5(ALPK3):c.1304del (p.Gln435fs)

Gene: ALPK3 (alpha kinase 3; plus strand). Cytogenetic location: 15q25.3.
Variant type: Deletion.
Coding change: c.1304del on transcript NM_020778.5 (MANE Select); coding-DNA position 1304, one base deleted (A; older notation c.1304delA).
Protein change: p.Gln435fs; shifts the reading frame from glutamine 435.
Molecular consequence: frameshift variant.
Genome position (GRCh38, 1-based): chr15:84,840,583, A deleted. VCF-style (leftmost placement, unchanged base first): chr15-84840582-CA-C. GRCh37 (hg19) VCF-style: chr15-85383813-CA-C.
Other names: short protein forms Q435fs.
Identifiers: ClinVar variation 3533531 (VCV003533531.1).